The following is an entry in ClinVar:

ClinVar aggregate classification (germline): Uncertain significance. Review status: criteria provided, multiple submitters, no conflicts (2 of 4 stars). 2 submissions from 2 submitters: Uncertain significance (2). Last evaluated 2026-01-27.

Allele frequency attached by ClinVar (database versions not stated): gnomAD 0.00002; TOPMed 0.00003; gnomAD exomes 0.00005.
gnomAD v4.1: 54 of 1,209,033 alleles (0.0045%); highest among the groups gnomAD compares: Non-Finnish European, 0.0058%; no homozygotes.

Submissions (2):

Labcorp Genetics (formerly Invitae), Labcorp
Classification: Uncertain significance. Last evaluated: 2026-01-27. Review status: criteria provided, single submitter. Criteria: Invitae Variant Classification Sherloc (09022015). Collection method: clinical testing. Allele origin: germline.
Comment: This sequence change replaces asparagine, which is neutral and polar, with lysine, which is basic and polar, at codon 91 of the RNF113A protein (p.Asn91Lys). This variant is present in population databases (no rsID available, gnomAD 0.002%). This variant has not been reported in the literature in individuals affected with RNF113A-related conditions. ClinVar contains an entry for this variant (Variation ID: 3154947). Invitae Evidence Modeling of protein sequence and biophysical properties (such as structural, functional, and spatial information, amino acid conservation, physicochemical variation, residue mobility, and thermodynamic stability) indicates that this missense variant is not expected to disrupt RNF113A protein function with a negative predictive value of 80%. In summary, the available evidence is currently insufficient to determine the role of this variant in disease. Therefore, it has been classified as a Variant of Uncertain Significance.

Ambry Genetics
Classification: Uncertain significance. Last evaluated: 2023-10-16. Review status: criteria provided, single submitter. Criteria: Ambry Variant Classification Scheme 2023. Collection method: clinical testing. Allele origin: germline.

NM_006978.3(RNF113A):c.273T>G (p.Asn91Lys)

Gene: RNF113A (ring finger protein 113A; minus strand). Cytogenetic location: Xq24.
Variant type: single nucleotide variant.
Coding change: c.273T>G on transcript NM_006978.3 (MANE Select); coding-DNA position 273, T replaced by G.
Protein change: p.Asn91Lys; replaces asparagine 91 with lysine.
Molecular consequence: missense variant.
Genome position (GRCh38, 1-based): chrX:119,871,341, A>C on the plus strand (T>G on the coding strand, the complement: RNF113A is on the minus strand). VCF-style: chrX-119871341-A-C. GRCh37 (hg19) VCF-style: chrX-119005304-A-C.
Other names: short protein forms N91K.
Identifiers: ClinVar variation 3154947 (VCV003154947.3), dbSNP rs1268235928, ClinGen allele CA414188681.